The following is an entry in ClinVar:

ClinVar aggregate classification (germline): Conflicting classifications of pathogenicity. Review status: criteria provided, conflicting classifications (1 of 4 stars). 2 submissions from 2 submitters: Uncertain significance (1); Likely benign (1). Last evaluated 2025-01-27.

Allele frequency attached by ClinVar (database versions not stated): ExAC 0.00001; gnomAD 0.00001; gnomAD exomes 0.00001; TOPMed 0.00002; ESP Exome Variant Server 0.00008.
gnomAD v4.1: 20 of 1,613,854 alleles (0.0012%); highest among the groups gnomAD compares: African/African-American, 0.0027%; no homozygotes.

Submissions (2):

Labcorp Genetics (formerly Invitae), Labcorp
Classification: Uncertain significance. Last evaluated: 2025-01-27. Review status: criteria provided, single submitter. Criteria: Invitae Variant Classification Sherloc (09022015). Collection method: clinical testing. Allele origin: germline.
Comment: This sequence change replaces threonine, which is neutral and polar, with isoleucine, which is neutral and non-polar, at codon 1842 of the KMT2A protein (p.Thr1842Ile). This variant is present in population databases (rs144180211, gnomAD 0.004%). This variant has not been reported in the literature in individuals affected with KMT2A-related conditions. ClinVar contains an entry for this variant (Variation ID: 1254304). Invitae Evidence Modeling of protein sequence and biophysical properties (such as structural, functional, and spatial information, amino acid conservation, physicochemical variation, residue mobility, and thermodynamic stability) indicates that this missense variant is not expected to disrupt KMT2A protein function with a negative predictive value of 95%. In summary, the available evidence is currently insufficient to determine the role of this variant in disease. Therefore, it has been classified as a Variant of Uncertain Significance.

GeneDx
Classification: Likely benign. Last evaluated: 2021-02-17. Review status: criteria provided, single submitter. Criteria: GeneDx Variant Classification Process June 2021. Collection method: clinical testing. Allele origin: germline. Affected: yes.
Comment: In silico analysis supports that this missense variant does not alter protein structure/function; Has not been previously published as pathogenic or benign to our knowledge

NM_001197104.2(KMT2A):c.5525C>T (p.Thr1842Ile)

Gene: KMT2A (lysine methyltransferase 2A; plus strand). Cytogenetic location: 11q23.3.
Variant type: single nucleotide variant.
Coding change: c.5525C>T on transcript NM_001197104.2 (MANE Select); coding-DNA position 5525, C replaced by T.
Protein change: p.Thr1842Ile; replaces threonine 1842 with isoleucine.
Molecular consequence: missense variant.
Genome position (GRCh38, 1-based): chr11:118,495,861, C>T. VCF-style: chr11-118495861-C-T. GRCh37 (hg19) VCF-style: chr11-118366576-C-T.
Other names: c.5516C>T, p.Thr1839Ile (NM_005933.4); short protein forms T1839I, T1842I.
Identifiers: ClinVar variation 1254304 (VCV001254304.7), dbSNP rs144180211, ClinGen allele CA6304056.